The following is an entry in ClinVar:

NM_152383.5(DIS3L2):c.2278G>T (p.Val760Phe)

Gene: DIS3L2 (DIS3 like 3'-5' exoribonuclease 2; plus strand). Cytogenetic location: 2q37.1.
Variant type: single nucleotide variant.
Coding change: c.2278G>T on transcript NM_152383.5 (MANE Select); coding-DNA position 2278, G replaced by T.
Protein change: p.Val760Phe; replaces valine 760 with phenylalanine.
Molecular consequence: missense variant. On other transcripts: non-coding transcript variant (2), intron variant (1).
Genome position (GRCh38, 1-based): chr2:232,334,488, G>T. VCF-style: chr2-232334488-G-T. GRCh37 (hg19) VCF-style: chr2-233199198-G-T.
Other names: c.1582-8857G>T (NM_001257281.2); short protein forms V760F.
Identifiers: ClinVar variation 2832976 (VCV002832976.3), dbSNP rs397834106, ClinGen allele CA350977862.
Genomic context (GRCh38, chr2:232,334,488, plus strand): 5'-AACGACCGCCGCATGGCGTCCAAGCGCGTGCAGGAGCTCAGTACCAGTCTCTTCTTTGCT[G>T]TTCTGGTCAAGGTGAGCCCTCCAGCCTGGTGCCCCTCACCTCCCTCTGGCTCCCGACCCT-3'
Protein context (NP_689596.4, residues 750-770): QELSTSLFFA[Val760Phe]LVKESGPLES

ClinVar aggregate classification (germline): Uncertain significance (1 of 4 stars; one submission).

Conditions:
Perlman syndrome (PRLMNS). Identifiers: Orphanet 2849, MedGen C0796113, MONDO:0009965, OMIM 267000.

gnomAD v4.1: 1 of 1,613,894 alleles (0.000062%); highest among the groups gnomAD compares: South Asian, 0.0011%; no homozygotes.

Submission:

Labcorp Genetics (formerly Invitae), Labcorp
Classification: Uncertain significance for Perlman syndrome. Last evaluated: 2023-01-30. Review status: criteria provided, single submitter. Criteria: Invitae Variant Classification Sherloc (09022015). Collection method: clinical testing. Allele origin: germline.
Comment: In summary, the available evidence is currently insufficient to determine the role of this variant in disease. Therefore, it has been classified as a Variant of Uncertain Significance. Algorithms developed to predict the effect of sequence changes on RNA splicing suggest that this variant may create or strengthen a splice site. Advanced modeling of protein sequence and biophysical properties (such as structural, functional, and spatial information, amino acid conservation, physicochemical variation, residue mobility, and thermodynamic stability) performed at Invitae indicates that this missense variant is not expected to disrupt DIS3L2 protein function. This variant has not been reported in the literature in individuals affected with DIS3L2-related conditions. This variant is not present in population databases (gnomAD no frequency). This sequence change replaces valine, which is neutral and non-polar, with phenylalanine, which is neutral and non-polar, at codon 760 of the DIS3L2 protein (p.Val760Phe).